The following is an entry in ClinVar:

ClinVar aggregate classification (germline): Uncertain significance (1 of 4 stars; one submission).

gnomAD v4.1: 2 of 1,613,414 alleles (0.00012%); highest among the groups gnomAD compares: Non-Finnish European, 0.00017%; no homozygotes.

Submission:

GeneDx
Classification: Uncertain significance. Last evaluated: 2023-11-08. Review status: criteria provided, single submitter. Criteria: GeneDx Variant Classification Process June 2021. Collection method: clinical testing. Allele origin: germline. Affected: yes.
Comment: Has not been previously published as pathogenic or benign to our knowledge; Not observed at significant frequency in large population cohorts (gnomAD); In silico analysis supports that this missense variant does not alter protein structure/function

NM_001080442.3(SLC38A8):c.1003C>T (p.Pro335Ser)

Gene: SLC38A8 (solute carrier family 38 member 8; minus strand). Cytogenetic location: 16q23.3.
Variant type: single nucleotide variant.
Coding change: c.1003C>T on transcript NM_001080442.3 (MANE Select); coding-DNA position 1003, C replaced by T.
Protein change: p.Pro335Ser; replaces proline 335 with serine.
Molecular consequence: missense variant.
Genome position (GRCh38, 1-based): chr16:84,016,678, G>A on the plus strand (C>T on the coding strand, the complement: SLC38A8 is on the minus strand). VCF-style: chr16-84016678-G-A. GRCh37 (hg19) VCF-style: chr16-84050283-G-A.
Other names: short protein forms P335S.
Identifiers: ClinVar variation 3363935 (VCV003363935.1).